The following is an entry in ClinVar:

NM_001370658.1(BTD):c.1177G>C (p.Gly393Arg)

Gene: BTD (biotinidase; plus strand). Cytogenetic location: 3p25.1.
Variant type: single nucleotide variant.
Coding change: c.1177G>C on transcript NM_001370658.1 (MANE Select); coding-DNA position 1177, G replaced by C.
Protein change: p.Gly393Arg; replaces glycine 393 with arginine.
Molecular consequence: missense variant. On other transcripts: intron variant (2).
Genome position (GRCh38, 1-based): chr3:15,645,093, G>C. VCF-style: chr3-15645093-G-C. GRCh37 (hg19) VCF-style: chr3-15686600-G-C.
Other names: c.1177G>C, p.Gly393Arg (NM_001407374.1, NM_001407375.1, NM_001407376.1 and 16 more transcripts); c.1015+162G>C (NM_001370752.1); c.399+3036G>C (NM_001370753.1); c.1237G>C, p.Gly413Arg (NM_000060.4); short protein forms G393R, G413R.
Identifiers: ClinVar variation 2113926 (VCV002113926.4), dbSNP rs374141881, ClinGen allele CA351608374.
Genomic context (GRCh38, chr3:15,645,093, plus strand): 5'-ACATTTCACTCTGAGATGATGTATGACAATTTCACCCTGGTCCCTGTCTGGGGAAAGGAA[G>C]GCTATCTCCACGTCTGTTCCAATGGCCTCTGCTGTTATTTACTTTACGAGAGGCCCACCT-3'
Protein context (NP_001357587.1, residues 383-403): FTLVPVWGKE[Gly393Arg]YLHVCSNGLC

ClinVar aggregate classification (germline): Uncertain significance (1 of 4 stars; one submission).

Conditions:
Biotinidase deficiency. Also called: BTD deficiency; Late-onset biotin-responsive multiple carboxylase deficiency; Biotin deficiency. Identifiers: Orphanet 79241, MedGen C0220754, MONDO:0009665, OMIM 253260.

gnomAD v4.1: 1 of 1,614,076 alleles (0.000062%); highest among the groups gnomAD compares: African/African-American, 0.0013%; no homozygotes.

Submission:

Labcorp Genetics (formerly Invitae), Labcorp
Classification: Uncertain significance for Biotinidase deficiency. Last evaluated: 2023-03-10. Review status: criteria provided, single submitter. Criteria: Invitae Variant Classification Sherloc (09022015). Collection method: clinical testing. Allele origin: germline.
Comment: In summary, the available evidence is currently insufficient to determine the role of this variant in disease. Therefore, it has been classified as a Variant of Uncertain Significance. Advanced modeling of protein sequence and biophysical properties (such as structural, functional, and spatial information, amino acid conservation, physicochemical variation, residue mobility, and thermodynamic stability) performed at Invitae indicates that this missense variant is expected to disrupt BTD protein function. ClinVar contains an entry for this variant (Variation ID: 2113926). This missense change has been observed in individual(s) with biochemical features of biotinidase deficiency (Invitae). This variant is present in population databases (no rsID available, gnomAD 0.01%). This sequence change replaces glycine, which is neutral and non-polar, with arginine, which is basic and polar, at codon 413 of the BTD protein (p.Gly413Arg).